The following is an entry in ClinVar:

NM_002576.5(PAK1):c.283G>C (p.Glu95Gln)

Gene: PAK1 (p21 (RAC1) activated kinase 1; minus strand). Cytogenetic location: 11q13.5.
Variant type: single nucleotide variant.
Coding change: c.283G>C on transcript NM_002576.5 (MANE Select); coding-DNA position 283, G replaced by C.
Protein change: p.Glu95Gln; replaces glutamic acid 95 with glutamine.
Molecular consequence: missense variant. On other transcripts: 5 prime UTR variant (2), non-coding transcript variant (2), intron variant (2).
Genome position (GRCh38, 1-based): chr11:77,379,902, C>G on the plus strand (G>C on the coding strand, the complement: PAK1 is on the minus strand). VCF-style: chr11-77379902-C-G. GRCh37 (hg19) VCF-style: chr11-77090947-C-G.
Other names: c.283G>C, p.Glu95Gln (NM_001128620.2, NM_001376268.1, NM_001376269.1 and 27 more transcripts); c.-12G>C (NM_001376302.1, NM_001376305.1); c.-3-514G>C (NM_001376304.1); c.191-5537G>C (NM_001376301.1); short protein forms E95Q.
Identifiers: ClinVar variation 3774238 (VCV003774238.1).

ClinVar aggregate classification (germline): Uncertain significance (1 of 4 stars; one submission).

Submission:

GeneDx
Classification: Uncertain significance. Last evaluated: 2024-09-19. Review status: criteria provided, single submitter. Criteria: GeneDx Variant Classification Process June 2021. Collection method: clinical testing. Allele origin: germline. Affected: yes.
Comment: Not observed at significant frequency in large population cohorts (gnomAD); In silico analysis supports that this missense variant has a deleterious effect on protein structure/function; Has not been previously published as pathogenic or benign to our knowledge